The following is an entry in ClinVar:

ClinVar aggregate classification (germline): Uncertain significance (1 of 4 stars; one submission).

Conditions:
Emery-Dreifuss muscular dystrophy 4, autosomal dominant (EDMD4). Also called: EMERY-DREIFUSS MUSCULAR DYSTROPHY 4 WITH VARIABLE FEATURES. Identifiers: Orphanet 261, MedGen C2751807, MONDO:0013071, OMIM 612998.
Autosomal recessive ataxia, Beauce type. Also called: Spinocerebellar ataxia, autosomal recessive 8; ATAXIA, RECESSIVE, OF BEAUCE; SYNE1-Related Autosomal Recessive Cerebellar Ataxia; SYNE1 Deficiency. Identifiers: Orphanet 88644, MedGen C1853116, MONDO:0012549, OMIM 610743.

Submission:

Labcorp Genetics (formerly Invitae), Labcorp
Classification: Uncertain significance for Emery-Dreifuss muscular dystrophy 4, autosomal dominant; Autosomal recessive ataxia, Beauce type. Last evaluated: 2024-12-09. Review status: criteria provided, single submitter. Criteria: Invitae Variant Classification Sherloc (09022015). Collection method: clinical testing. Allele origin: germline.
Comment: This sequence change replaces isoleucine, which is neutral and non-polar, with threonine, which is neutral and polar, at codon 4558 of the SYNE1 protein (p.Ile4558Thr). This variant is not present in population databases (gnomAD no frequency). This variant has not been reported in the literature in individuals affected with SYNE1-related conditions. An algorithm developed to predict the effect of missense changes on protein structure and function (PolyPhen-2) suggests that this variant is likely to be disruptive. In summary, the available evidence is currently insufficient to determine the role of this variant in disease. Therefore, it has been classified as a Variant of Uncertain Significance.

NM_182961.4(SYNE1):c.13886T>C (p.Ile4629Thr)

Gene: SYNE1 (spectrin repeat containing nuclear envelope protein 1; minus strand). Cytogenetic location: 6q25.2.
Variant type: single nucleotide variant.
Coding change: c.13886T>C on transcript NM_182961.4 (MANE Select); coding-DNA position 13886, T replaced by C.
Protein change: p.Ile4629Thr; replaces isoleucine 4629 with threonine.
Molecular consequence: missense variant.
Genome position (GRCh38, 1-based): chr6:152,330,799, A>G on the plus strand (T>C on the coding strand, the complement: SYNE1 is on the minus strand). VCF-style: chr6-152330799-A-G. GRCh37 (hg19) VCF-style: chr6-152651934-A-G.
Other names: c.13673T>C, p.Ile4558Thr (NM_033071.5); short protein forms I4558T, I4629T.
Identifiers: ClinVar variation 3748641 (VCV003748641.2).
Genomic context (GRCh38, chr6:152,330,799, plus strand): 5'-GGCAAAGCATTTAGCTTTTCACTGAGGTAGGAATGATCGACTTCATTCAGCGATGGTAAT[A>G]TGGTCTGCCCAGTTCTCTGCAGCGTAAGTAGAAGATTTTCATATTCTGGAGATTGTTCAA-3'
Protein context (NP_892006.3, residues 4619-4639): LLTLQRTGQT[Ile4629Thr]LPSLNEVDHS